The following is an entry in ClinVar:

NM_018942.3(HMX1):c.676C>T (p.Arg226Cys)

Gene: HMX1 (H6 family homeobox 1; minus strand). Cytogenetic location: 4p16.1.
Variant type: single nucleotide variant.
Coding change: c.676C>T on transcript NM_018942.3 (MANE Select); coding-DNA position 676, C replaced by T.
Protein change: p.Arg226Cys; replaces arginine 226 with cysteine.
Molecular consequence: missense variant. On other transcripts: intron variant (1).
Genome position (GRCh38, 1-based): chr4:8,868,064, G>A on the plus strand (C>T on the coding strand, the complement: HMX1 is on the minus strand). VCF-style: chr4-8868064-G-A. GRCh37 (hg19) VCF-style: chr4-8869790-G-A.
Other names: c.394+3157C>T (NM_001306142.2); short protein forms R226C.
Identifiers: ClinVar variation 1018368 (VCV001018368.6), dbSNP rs781198310, ClinGen allele CA2854287.
Genomic context (GRCh38, chr4:8,868,064, plus strand): 5'-GCGTCTCGGTGAGCTGCAGGGAGGCGGCCAGGCCGGCGCGCTCGGCGCTGCTCAGGTAGC[G>A]CTTCAGGTCGAAGGTGGATTCCAGCTGGAAGACCTGGCTGCGGGAGAAGACTGTGCGCGT-3'
Protein context (NP_061815.2, residues 216-236): FQLESTFDLK[Arg226Cys]YLSSAERAGL

ClinVar aggregate classification (germline): Uncertain significance (1 of 4 stars; one submission).

Allele frequency attached by ClinVar (database versions not stated): gnomAD 0.00011 and 0.00012; TOPMed 0.00011.

Submission:

Labcorp Genetics (formerly Invitae), Labcorp
Classification: Uncertain significance. Last evaluated: 2022-08-08. Review status: criteria provided, single submitter. Criteria: Invitae Variant Classification Sherloc (09022015). Collection method: clinical testing. Allele origin: germline.
Comment: This sequence change replaces arginine, which is basic and polar, with cysteine, which is neutral and slightly polar, at codon 226 of the HMX1 protein (p.Arg226Cys). This variant is present in population databases (rs781198310, gnomAD 0.01%). This variant has not been reported in the literature in individuals affected with HMX1-related conditions. ClinVar contains an entry for this variant (Variation ID: 1018368). Algorithms developed to predict the effect of missense changes on protein structure and function (SIFT, PolyPhen-2, Align-GVGD) all suggest that this variant is likely to be disruptive. In summary, the available evidence is currently insufficient to determine the role of this variant in disease. Therefore, it has been classified as a Variant of Uncertain Significance.